The following is an entry in ClinVar:

ClinVar aggregate classification (germline): Uncertain significance (0 of 4 stars; one submission).

Conditions:
SIM1-related disorder. Also called: SIM1-related condition; SIM1-related disorders.

Submission:

PreventionGenetics, part of Exact Sciences
Classification: Uncertain significance for SIM1-related condition. Last evaluated: 2024-05-03. Review status: no assertion criteria provided. Collection method: clinical testing. Allele origin: germline.
Comment: The SIM1 c.242G>T variant is predicted to result in the amino acid substitution p.Gly81Val. To our knowledge, this variant has not been reported in the literature or in a large population database, indicating this variant is rare. At this time, the clinical significance of this variant is uncertain due to the absence of conclusive functional and genetic evidence.

NM_005068.3(SIM1):c.242G>T (p.Gly81Val)

Gene: SIM1 (SIM bHLH transcription factor 1; minus strand). Cytogenetic location: 6q16.3.
Variant type: single nucleotide variant.
Coding change: c.242G>T on transcript NM_005068.3 (MANE Select); coding-DNA position 242, G replaced by T.
Protein change: p.Gly81Val; replaces glycine 81 with valine.
Molecular consequence: missense variant.
Genome position (GRCh38, 1-based): chr6:100,453,778, C>A on the plus strand (G>T on the coding strand, the complement: SIM1 is on the minus strand). VCF-style: chr6-100453778-C-A. GRCh37 (hg19) VCF-style: chr6-100901654-C-A.
Other names: c.242G>T, p.Gly81Val (NM_001374769.1); short protein forms G81V.
Identifiers: ClinVar variation 3346229 (VCV003346229.1).
Genomic context (GRCh38, chr6:100,453,778, plus strand): 5'-AGACCCTCAAAGCTTATGTGTTGCCGGAAGACCTGCACCTGTACCTGGAGCAGATGGGAG[C>A]CCAGTTCTCGGCCAACGTTGTCCAGGGGGCTGGTCCGACTTGAGTGGCCCCACGCCTCGC-3'
Protein context (NP_005059.2, residues 71-91): SPLDNVGREL[Gly81Val]SHLLQTLDGF